The following is an entry in ClinVar:

NM_001349338.3(FOXP1):c.1426_1428+1del

Gene: FOXP1 (forkhead box P1; minus strand). Cytogenetic location: 3p13.
Variant type: Deletion.
Coding change: c.1426_1428+1del on transcript NM_001349338.3 (MANE Select); coding-DNA position 1426 through the canonical splice donor site of the intron after coding-DNA position 1428, 4 bases deleted (CAGG; older notation c.1426_1428+1delCAGG).
Molecular consequence: splice donor variant.
Genome position (GRCh38, 1-based): chr3:70,977,642-70,977,645, CCTG deleted on the plus strand (CAGG on the coding strand, the reverse complement: FOXP1 is on the minus strand); deleting any 4 consecutive bases within chr3:70,977,642-70,977,648 gives the same sequence; the c. name uses the placement nearest the transcript's 3' end. VCF-style (leftmost placement, unchanged base first): chr3-70977641-ACCTG-A. GRCh37 (hg19) VCF-style: chr3-71026792-ACCTG-A.
Other names: c.1426_1428+1del (NM_001244810.2, NM_032682.6, NM_001349340.3 and 2 more transcripts); c.1423_1425+1del (NM_001349341.3, NM_001244808.3); c.1198_1200+1del (NM_001244812.3); c.1123_1125+1del (NM_001349343.3, NM_001349337.2, NM_001370548.1 and 1 more transcripts); c.1126_1128+1del (NM_001349342.3, NM_001244815.2, NM_001244813.3).
Identifiers: ClinVar variation 807605 (VCV000807605.4), dbSNP rs1575803923, ClinGen allele CA915942970.
Genomic context (GRCh38, chr3:70,977,641, plus strand): 5'-ATATATATCCATGTACACATATACCTTCTGACAGAATTTCATATACTGTGTTATTTACTT[ACCTG>A]CCTAATTAAAGATGCATATGTAAATGGTGGTCTAACTTCTGCGTTCTTATAAAATTCTTG-3'

ClinVar aggregate classification (germline): Pathogenic/Likely pathogenic. Review status: criteria provided, multiple submitters, no conflicts (2 of 4 stars). 2 submissions from 2 submitters: Pathogenic (1); Likely pathogenic (1). Last evaluated 2024-10-03.

Conditions:
Intellectual disability-severe speech delay-mild dysmorphism syndrome (IDDLA). Also called: FOXP1 Syndrome; Intellectual developmental disorder with language impairment AND with or without autistic features; Mental retardation with language impairment and autistic features. Identifiers: Orphanet 391372, MedGen C4013764, MONDO:0013352, OMIM 613670.

Submissions (2):

Laboratorio de Genetica e Diagnostico Molecular, Hospital Israelita Albert Einstein
Classification: Likely pathogenic for Intellectual disability-severe speech delay-mild dysmorphism syndrome. Last evaluated: 2024-10-03. Review status: criteria provided, single submitter. Criteria: ACMG Guidelines, 2015. Collection method: clinical testing. Allele origin: germline. Affected: yes.
Comment: ACMG classification criteria: PVS1 very strong, PM2 supporting

Institute of Human Genetics Munich, TUM University Hospital
Classification: Pathogenic for Intellectual disability-severe speech delay-mild dysmorphism syndrome. Last evaluated: 2019-06-11. Review status: criteria provided, single submitter. Criteria: Classification criteria August 2017. Collection method: clinical testing. Allele origin: de novo. Inheritance: Autosomal dominant inheritance. Affected: yes. Observed: 1 heterozygote.